The following is an entry in ClinVar:

ClinVar aggregate classification (germline): Uncertain significance. Review status: criteria provided, multiple submitters, no conflicts (2 of 4 stars). 2 submissions from 2 submitters: Uncertain significance (2). Last evaluated 2025-07-09.

Conditions:
Emery-Dreifuss muscular dystrophy 5, autosomal dominant (EDMD5). Also called: EMERY-DREIFUSS MUSCULAR DYSTROPHY 5. Identifiers: Orphanet 261, MedGen C2751805, MONDO:0013072, OMIM 612999.

Allele frequency attached by ClinVar (database versions not stated): gnomAD exomes below 0.00001; ExAC 0.00001; TOPMed 0.00002; gnomAD 0.00005; ESP Exome Variant Server 0.00008.
gnomAD v4.1: 9 of 1,614,222 alleles (0.00056%); highest among the groups gnomAD compares: African/African-American, 0.012%; no homozygotes.

Submissions (2):

Labcorp Genetics (formerly Invitae), Labcorp
Classification: Uncertain significance for Emery-Dreifuss muscular dystrophy 5, autosomal dominant. Last evaluated: 2025-07-09. Review status: criteria provided, single submitter. Criteria: Invitae Variant Classification Sherloc (09022015). Collection method: clinical testing. Allele origin: germline.
Comment: This sequence change replaces asparagine, which is neutral and polar, with serine, which is neutral and polar, at codon 2583 of the SYNE2 protein (p.Asn2583Ser). This variant is present in population databases (rs377672649, gnomAD 0.02%). This variant has not been reported in the literature in individuals affected with SYNE2-related conditions. ClinVar contains an entry for this variant (Variation ID: 2080365). An algorithm developed to predict the effect of missense changes on protein structure and function (PolyPhen-2) suggests that this variant is likely to be tolerated. In summary, the available evidence is currently insufficient to determine the role of this variant in disease. Therefore, it has been classified as a Variant of Uncertain Significance.

Ambry Genetics
Classification: Uncertain significance. Last evaluated: 2025-05-21. Review status: criteria provided, single submitter. Criteria: Ambry Variant Classification Scheme 2023. Collection method: clinical testing. Allele origin: germline.

NM_182914.3(SYNE2):c.7748A>G (p.Asn2583Ser)

Gene: SYNE2 (spectrin repeat containing nuclear envelope protein 2; plus strand). Cytogenetic location: 14q23.2.
Variant type: single nucleotide variant.
Coding change: c.7748A>G on transcript NM_182914.3 (MANE Select); coding-DNA position 7748, A replaced by G.
Protein change: p.Asn2583Ser; replaces asparagine 2583 with serine.
Molecular consequence: missense variant.
Genome position (GRCh38, 1-based): chr14:64,051,661, A>G. VCF-style: chr14-64051661-A-G. GRCh37 (hg19) VCF-style: chr14-64518379-A-G.
Other names: c.7748A>G (NM_182914.2); c.7748A>G, p.Asn2583Ser (NM_015180.6); short protein forms N2583S.
Identifiers: ClinVar variation 2080365 (VCV002080365.5), dbSNP rs377672649, ClinGen allele CA7221011.